The following is an entry in ClinVar:

ClinVar aggregate classification (germline): Uncertain significance (1 of 4 stars; one submission).

Submission:

Labcorp Genetics (formerly Invitae), Labcorp
Classification: Uncertain significance. Last evaluated: 2021-12-04. Review status: criteria provided, single submitter. Criteria: Invitae Variant Classification Sherloc (09022015). Collection method: clinical testing. Allele origin: germline.
Comment: This sequence change replaces methionine, which is neutral and non-polar, with valine, which is neutral and non-polar, at codon 2 of the SMARCB1 protein (p.Met2Val). This variant is not present in population databases (gnomAD no frequency). This variant has not been reported in the literature in individuals affected with SMARCB1-related conditions. Algorithms developed to predict the effect of missense changes on protein structure and function (SIFT, PolyPhen-2, Align-GVGD) all suggest that this variant is likely to be tolerated. Algorithms developed to predict the effect of sequence changes on RNA splicing suggest that this variant may create or strengthen a splice site. In summary, the available evidence is currently insufficient to determine the role of this variant in disease. Therefore, it has been classified as a Variant of Uncertain Significance.

NM_003073.5(SMARCB1):c.4A>G (p.Met2Val)

Gene: SMARCB1 (SWI/SNF related BAF chromatin remodeling complex subunit B1; plus strand). Cytogenetic location: 22q11.23.
Variant type: single nucleotide variant.
Coding change: c.4A>G on transcript NM_003073.5 (MANE Select); coding-DNA position 4, A replaced by G.
Protein change: p.Met2Val; replaces methionine 2 with valine.
Molecular consequence: missense variant.
Genome position (GRCh38, 1-based): chr22:23,787,173, A>G. VCF-style: chr22-23787173-A-G. GRCh37 (hg19) VCF-style: chr22-24129360-A-G.
Other names: c.4A>G, p.Met2Val (NM_001007468.3, NM_001317946.2, NM_001362877.2); short protein forms M2V.
Identifiers: ClinVar variation 1507035 (VCV001507035.6), dbSNP rs2145951889, ClinGen allele CA410930352.